The following is an entry in ClinVar:

ClinVar aggregate classification (germline): Uncertain significance. Review status: criteria provided, multiple submitters, no conflicts (2 of 4 stars). 2 submissions from 2 submitters: Uncertain significance (2). Last evaluated 2026-01-26.

Conditions:
Inborn genetic diseases. Identifiers: MedGen C0950123, MeSH D030342.

Allele frequency attached by ClinVar (database versions not stated): ExAC 0.00001; gnomAD exomes 0.00001; gnomAD 0.00003; TOPMed 0.00006; 1000 Genomes Project 30x 0.00016; 1000 Genomes Project 0.00020.
gnomAD v4.1: 20 of 1,608,390 alleles (0.0012%); highest among the groups gnomAD compares: Admixed American, 0.0067%; no homozygotes.

Submissions (2):

Labcorp Genetics (formerly Invitae), Labcorp
Classification: Uncertain significance. Last evaluated: 2026-01-26. Review status: criteria provided, single submitter. Criteria: Invitae Variant Classification Sherloc (09022015). Collection method: clinical testing. Allele origin: germline.
Comment: This sequence change replaces arginine, which is basic and polar, with tryptophan, which is neutral and slightly polar, at codon 628 of the COL9A2 protein (p.Arg628Trp). The frequency data for this variant in the population databases is considered unreliable, as metrics indicate poor data quality at this position in the gnomAD database. This variant has not been reported in the literature in individuals affected with COL9A2-related conditions. ClinVar contains an entry for this variant (Variation ID: 1418028). Invitae Evidence Modeling of protein sequence and biophysical properties (such as structural, functional, and spatial information, amino acid conservation, physicochemical variation, residue mobility, and thermodynamic stability) indicates that this missense variant is not expected to disrupt COL9A2 protein function with a negative predictive value of 95%. In summary, the available evidence is currently insufficient to determine the role of this variant in disease. Therefore, it has been classified as a Variant of Uncertain Significance.

Ambry Genetics
Classification: Uncertain significance for Inborn genetic diseases. Last evaluated: 2025-04-17. Review status: criteria provided, single submitter. Criteria: Ambry Variant Classification Scheme 2023. Collection method: clinical testing. Allele origin: germline.

NM_001852.4(COL9A2):c.1882C>T (p.Arg628Trp)

Gene: COL9A2 (collagen type IX alpha 2 chain; minus strand). Cytogenetic location: 1p34.2.
Variant type: single nucleotide variant.
Coding change: c.1882C>T on transcript NM_001852.4 (MANE Select); coding-DNA position 1882, C replaced by T.
Protein change: p.Arg628Trp; replaces arginine 628 with tryptophan.
Molecular consequence: missense variant.
Genome position (GRCh38, 1-based): chr1:40,301,370, G>A on the plus strand (C>T on the coding strand, the complement: COL9A2 is on the minus strand). VCF-style: chr1-40301370-G-A. GRCh37 (hg19) VCF-style: chr1-40767042-G-A.
Other names: c.1882C>T (NM_001852.3); short protein forms R628W.
Identifiers: ClinVar variation 1418028 (VCV001418028.7), dbSNP rs200971976, ClinGen allele CA791284.